The following is an entry in ClinVar:

NM_007294.4(BRCA1):c.5153-15C>T

Gene: BRCA1 (BRCA1 DNA repair associated; minus strand). Cytogenetic location: 17q21.31.
Variant type: single nucleotide variant.
Coding change: c.5153-15C>T on transcript NM_007294.4 (MANE Select); 15 bases into the intron before coding-DNA position 5153, C replaced by T.
Molecular consequence: intron variant.
Genome position (GRCh38, 1-based): chr17:43,063,388, G>A on the plus strand (C>T on the coding strand, the complement: BRCA1 is on the minus strand). VCF-style: chr17-43063388-G-A. GRCh37 (hg19) VCF-style: chr17-41215405-G-A.
Other names: c.1700-15C>T (NM_001408458.1, NM_001408461.1, NM_001408464.1 and 7 more transcripts); c.4262-15C>T (NM_001407967.1); c.4772-15C>T (NM_001407959.1); c.4886-15C>T (NM_001407931.1, NM_001407932.1, NM_001407928.1 and 4 more transcripts); c.5009-15C>T (NM_001407747.1, NM_001407745.1, NM_001407737.1 and 21 more transcripts); c.4769-15C>T (NM_001407962.1, NM_001407960.1); c.1340-15C>T (NM_001408512.1); c.1463-15C>T (NM_001408510.1); and 72 more.
Identifiers: ClinVar variation 867735 (VCV000867735.3), dbSNP rs2051876236, ClinGen allele CA916080071.

Conditions:
Breast-ovarian cancer, familial, susceptibility to, 1 (BROVCA1). Also called: BRCA1 Hereditary Breast and Ovarian Cancer; OVARIAN CANCER, SUSCEPTIBILITY TO. Identifiers: Orphanet 145, MedGen C2676676, MONDO:0011450, OMIM 604370. Disease mechanism: loss of function.

Submission:

Brotman Baty Institute, University of Washington
No classification provided (evidence only). Condition: Breast-ovarian cancer, familial 1. Review status: no classification provided. Collection method: in vitro. Allele origin: not applicable. Functional consequence: functionally_normal.
ClinVar note: "not provided" was previously submitted as the classification for the variant. However, the classification appeared to be based only on an observation of functional data so it was converted to no classification on 2025-07-30.